The following is an entry in ClinVar:

ClinVar aggregate classification (germline): Likely benign. Review status: criteria provided, multiple submitters, no conflicts (2 of 4 stars). 3 submissions from 3 submitters: Likely benign (3). Last evaluated 2025-02-05.

Conditions:
Left ventricular noncompaction 1 (LVNC1). Also called: LEFT VENTRICULAR NONCOMPACTION 1 WITH OR WITHOUT CONGENITAL HEART DEFECTS. Identifiers: Orphanet 54260, MedGen C1858725, MONDO:0011403, OMIM 604169.

Allele frequency attached by ClinVar (database versions not stated): TOPMed below 0.00001; gnomAD 0.00001 and 0.00004; gnomAD exomes 0.00008; 1000 Genomes Project 30x 0.00031; 1000 Genomes Project 0.00040.
gnomAD v4.1: 49 of 1,613,608 alleles (0.003%); highest among the groups gnomAD compares: South Asian, 0.043%; 1 homozygote.

Submissions (3):

Labcorp Genetics (formerly Invitae), Labcorp
Classification: Likely benign for Left ventricular noncompaction 1. Last evaluated: 2025-02-05. Review status: criteria provided, single submitter. Criteria: Invitae Variant Classification Sherloc (09022015). Collection method: clinical testing. Allele origin: germline.

Blueprint Genetics
Classification: Likely benign. Last evaluated: 2024-10-01. Review status: criteria provided, single submitter. Criteria: ACMG Guidelines, 2015. Collection method: clinical testing. Allele origin: germline.

GeneDx
Classification: Likely benign. Last evaluated: 2017-01-23. Review status: criteria provided, single submitter. Criteria: GeneDx Variant Classification (06012015). Collection method: clinical testing. Allele origin: germline. Affected: yes.
Comment: This variant is considered likely benign or benign based on one or more of the following criteria: it is a conservative change, it occurs at a poorly conserved position in the protein, it is predicted to be benign by multiple in silico algorithms, and/or has population frequency not consistent with disease.

NM_001386795.1(DTNA):c.615G>A (p.Thr205=)

Gene: DTNA (dystrobrevin alpha; plus strand). Cytogenetic location: 18q12.1.
Variant type: single nucleotide variant.
Coding change: c.615G>A on transcript NM_001386795.1 (MANE Select); coding-DNA position 615, G replaced by A.
Protein change: p.Thr205=; no amino-acid change (threonine 205 retained).
Molecular consequence: synonymous variant. On other transcripts: intron variant (1).
Genome position (GRCh38, 1-based): chr18:34,815,920, G>A. VCF-style: chr18-34815920-G-A. GRCh37 (hg19) VCF-style: chr18-32395884-G-A.
Other names: c.615G>A, p.Thr205= (NM_001386777.1, NM_001386788.1, NM_001390.5 and 34 more transcripts); c.603+3807G>A (NM_001198945.2).
Identifiers: ClinVar variation 506894 (VCV000506894.11), dbSNP rs552069190, ClinGen allele CA8935428.
Genomic context (GRCh38, chr18:34,815,920, plus strand): 5'-AATTGAGATGATTCTCTGTCCTAAATTTATGGGGGGTTTTTTTATGCAGAAAAAAGTCAC[G>A]TTAAATGGTTTCTTGGACACGCTTATGTCAGATCCTCCCCCGCAGTGTCTGGTCTGGTTG-3'
Protein context (NP_001373724.1, residues 195-215): RSCFSQQKKV[Thr205=]LNGFLDTLMS